The following is an entry in ClinVar:

ClinVar aggregate classification (germline): Uncertain significance (1 of 4 stars; one submission).

Submission:

Labcorp Genetics (formerly Invitae), Labcorp
Classification: Uncertain significance. Last evaluated: 2023-06-15. Review status: criteria provided, single submitter. Criteria: Invitae Variant Classification Sherloc (09022015). Collection method: clinical testing. Allele origin: germline.
Comment: This sequence change affects the initiator methionine of the MYSM1 mRNA. The next in-frame methionine is located at codon 68. In summary, the available evidence is currently insufficient to determine the role of this variant in disease. Therefore, it has been classified as a Variant of Uncertain Significance. Experimental studies and prediction algorithms are not available or were not evaluated, and the functional significance of this variant is currently unknown. This variant has not been reported in the literature in individuals affected with MYSM1-related conditions. This variant is not present in population databases (gnomAD no frequency).

NM_001085487.3(MYSM1):c.2T>G (p.Met1Arg)

Genes: MYSM1 (Myb like, SWIRM and MPN domains 1; minus strand), LOC129930616 (ATAC-STARR-seq lymphoblastoid active region 1087; plus strand). Cytogenetic location: 1p32.1.
Variant type: single nucleotide variant.
Coding change: c.2T>G on transcript NM_001085487.3 (MANE Select); coding-DNA position 2, T replaced by G.
Protein change: p.Met1Arg; changes the start codon (methionine 1).
Molecular consequence: missense variant, initiator codon variant.
Genome position (GRCh38, 1-based): chr1:58,700,051, A>C on the plus strand (T>G on the coding strand, the complement: MYSM1 is on the minus strand). VCF-style: chr1-58700051-A-C. GRCh37 (hg19) VCF-style: chr1-59165723-A-C.
Other names: short protein forms M1R.
Identifiers: ClinVar variation 2715453 (VCV002715453.3), dbSNP rs2524392785, ClinGen allele CA340534696.